The following is an entry in ClinVar:

ClinVar aggregate classification (germline): Uncertain significance (1 of 4 stars; one submission).

Conditions:
Palmoplantar keratoderma-esophageal carcinoma syndrome (TOC). Also called: KERATOSIS PALMARIS ET PLANTARIS WITH ESOPHAGEAL CANCER; PALMOPLANTAR KERATODERMA WITH ESOPHAGEAL CANCER; Tylosis with Esophageal Cancer. Identifiers: Orphanet 2198, MedGen C1835664, MONDO:0007856, OMIM 148500.

Allele frequency attached by ClinVar (database versions not stated): TOPMed 0.00003; gnomAD 0.00004; ExAC 0.00005; gnomAD exomes 0.00006 and 0.00012; ESP Exome Variant Server 0.00008.
gnomAD v4.1: 172 of 1,606,294 alleles (0.011%); highest among the groups gnomAD compares: Middle Eastern, 0.017%; no homozygotes.

Submission:

Baylor Genetics
Classification: Uncertain significance for Palmoplantar keratoderma-esophageal carcinoma syndrome. Last evaluated: 2020-04-10. Review status: criteria provided, single submitter. Criteria: ACMG Guidelines, 2015. Collection method: clinical testing. Allele origin: unknown. Affected: yes. Study: CSER-TexasKidsCanSeq.
Comment: This variant was determined to be of uncertain significance according to ACMG Guidelines, 2015 [PMID:25741868].

NM_001005498.4(RHBDF2):c.556G>A (p.Gly186Arg)

Gene: RHBDF2 (rhomboid 5 homolog 2; minus strand). Cytogenetic location: 17q25.1.
Variant type: single nucleotide variant.
Coding change: c.556G>A on transcript NM_001005498.4 (MANE Select); coding-DNA position 556, G replaced by A.
Protein change: p.Gly186Arg; replaces glycine 186 with arginine.
Molecular consequence: missense variant. On other transcripts: non-coding transcript variant (3).
Genome position (GRCh38, 1-based): chr17:76,478,922, C>T on the plus strand (G>A on the coding strand, the complement: RHBDF2 is on the minus strand). VCF-style: chr17-76478922-C-T. GRCh37 (hg19) VCF-style: chr17-74475004-C-T.
Other names: c.556G>A, p.Gly186Arg (NM_001376228.1, NM_001376229.1, NM_001376230.1); c.643G>A, p.Gly215Arg (NM_024599.5); short protein forms G186R, G215R.
Identifiers: ClinVar variation 998385 (VCV000998385.1), dbSNP rs376555925, ClinGen allele CA8787314.